The following is an entry in ClinVar:

ClinVar aggregate classification (germline): Uncertain significance (1 of 4 stars; one submission).

Conditions:
Malignant hyperthermia, susceptibility to, 1 (MHS1). Also called: Anesthesia related hyperthermia; Malignant hyperpyrexia; Fulminating hyperpyrexia; Pharmacogenic myopathy; Malignant hyperthermia suceptibility 1; RYR1-Related Malignant Hyperthermia Susceptibility. Identifiers: Orphanet 423, MedGen C2930980, MONDO:0007783, OMIM 145600.

Submission:

All of Us Research Program, National Institutes of Health
Classification: Uncertain significance for Malignant hyperthermia, susceptibility to, 1. Last evaluated: 2024-03-05. Review status: criteria provided, single submitter. Criteria: ACMG Guidelines, 2015. Collection method: clinical testing. Allele origin: germline. Inheritance: Autosomal dominant inheritance. Observed: 1 variant allele, 1 heterozygote.
Comment: This study involves interpretation of variants in research participants for the purpose of population health screening. Participant phenotype was not available at the time of variant classification. Additional details can be found in publication PMID: 35346344, PMCID: PMC8962531

NM_000540.3(RYR1):c.14274G>C (p.Lys4758Asn)

Gene: RYR1 (ryanodine receptor 1; plus strand). Cytogenetic location: 19q13.2.
Variant type: single nucleotide variant.
Coding change: c.14274G>C on transcript NM_000540.3 (MANE Select); coding-DNA position 14274, G replaced by C.
Protein change: p.Lys4758Asn; replaces lysine 4758 with asparagine.
Molecular consequence: missense variant.
Genome position (GRCh38, 1-based): chr19:38,578,019, G>C. VCF-style: chr19-38578019-G-C. GRCh37 (hg19) VCF-style: chr19-39068659-G-C.
Other names: c.14259G>C, p.Lys4753Asn (NM_001042723.2); short protein forms K4753N, K4758N.
Identifiers: ClinVar variation 3385619 (VCV003385619.1).